The following is an entry in ClinVar:

NM_006016.6(CD164):c.37A>G (p.Thr13Ala)

Gene: CD164 (CD164 molecule; minus strand). Cytogenetic location: 6q21.
Variant type: single nucleotide variant.
Coding change: c.37A>G on transcript NM_006016.6 (MANE Select); coding-DNA position 37, A replaced by G.
Protein change: p.Thr13Ala; replaces threonine 13 with alanine.
Molecular consequence: missense variant.
Genome position (GRCh38, 1-based): chr6:109,382,342, T>C on the plus strand (A>G on the coding strand, the complement: CD164 is on the minus strand). VCF-style: chr6-109382342-T-C. GRCh37 (hg19) VCF-style: chr6-109703545-T-C.
Other names: c.37A>G, p.Thr13Ala (NM_001142401.3, NM_001142402.3, NM_001142403.3 and 1 more transcripts); short protein forms T13A.
Identifiers: ClinVar variation 512048 (VCV000512048.1), dbSNP rs775630795, ClinGen allele CA145101795.
Genomic context (GRCh38, chr6:109,382,342, plus strand): 5'-CGTTCGGGTGCTGGGTCGTGTTCTTGTCCGCGGACAGCACGCAGAGCACGCCCAGGCAGG[T>C]GGCGGCCCAAAGCAGTGAGCGGGAGAGCCGCGACATCGTGTCCTCAGCGCTGGCGTTCGG-3'
Protein context (NP_006007.2, residues 3-23): RLSRSLLWAA[Thr13Ala]CLGVLCVLSA

ClinVar aggregate classification (germline): Likely benign (1 of 4 stars; one submission).

Allele frequency attached by ClinVar (database versions not stated): gnomAD exomes below 0.00001; TOPMed 0.00001.

Submission:

GeneDx
Classification: Likely benign. Last evaluated: 2017-10-03. Review status: criteria provided, single submitter. Criteria: GeneDx Variant Classification (06012015). Collection method: clinical testing. Allele origin: germline. Affected: yes.
Comment: This variant is considered likely benign or benign based on one or more of the following criteria: it is a conservative change, it occurs at a poorly conserved position in the protein, it is predicted to be benign by multiple in silico algorithms, and/or has population frequency not consistent with disease.